The following is an entry in ClinVar:

NM_000748.3(CHRNB2):c.877G>A (p.Asp293Asn)

Gene: CHRNB2 (cholinergic receptor nicotinic beta 2 subunit; plus strand). Cytogenetic location: 1q21.3.
Variant type: single nucleotide variant.
Coding change: c.877G>A on transcript NM_000748.3 (MANE Select); coding-DNA position 877, G replaced by A.
Protein change: p.Asp293Asn; replaces aspartic acid 293 with asparagine.
Molecular consequence: missense variant.
Genome position (GRCh38, 1-based): chr1:154,571,700, G>A. VCF-style: chr1-154571700-G-A. GRCh37 (hg19) VCF-style: chr1-154544176-G-A.
Other names: short protein forms D293N.
Identifiers: ClinVar variation 2717593 (VCV002717593.3), dbSNP rs2526370521, ClinGen allele CA342631017.

ClinVar aggregate classification (germline): Uncertain significance (1 of 4 stars; one submission).

Conditions:
Familial sleep-related hypermotor epilepsy. Also called: Autosomal Dominant Sleep-Related Hypermotor (Hyperkinetic) Epilepsy. Identifiers: Orphanet 98784, MedGen C3696898, MONDO:0000030.

Submission:

Labcorp Genetics (formerly Invitae), Labcorp
Classification: Uncertain significance. Last evaluated: 2023-05-25. Review status: criteria provided, single submitter. Criteria: Invitae Variant Classification Sherloc (09022015). Collection method: clinical testing. Allele origin: germline.
Comment: This variant is not present in population databases (gnomAD no frequency). This sequence change replaces aspartic acid, which is acidic and polar, with asparagine, which is neutral and polar, at codon 293 of the CHRNB2 protein (p.Asp293Asn). In summary, the available evidence is currently insufficient to determine the role of this variant in disease. Therefore, it has been classified as a Variant of Uncertain Significance. Advanced modeling of protein sequence and biophysical properties (such as structural, functional, and spatial information, amino acid conservation, physicochemical variation, residue mobility, and thermodynamic stability) performed at Invitae indicates that this missense variant is not expected to disrupt CHRNB2 protein function. This variant has not been reported in the literature in individuals affected with CHRNB2-related conditions.